The following is an entry in ClinVar:

ClinVar aggregate classification (germline): Likely benign. Review status: criteria provided, multiple submitters, no conflicts (2 of 4 stars). 4 submissions from 4 submitters: Likely benign (3). 1 of the submissions does not count toward it. Last evaluated 2026-05-26.

Conditions:
Hereditary cancer-predisposing syndrome. Also called: Neoplastic Syndromes, Hereditary; Tumor predisposition; Hereditary Cancer Syndrome; Hereditary neoplastic syndrome. Identifiers: Orphanet 140162, MedGen C0027672, MeSH D009386, MONDO:0015356.
Bloom syndrome (BLM). Also called: Bloom-Torre-Machacek syndrome. Identifiers: Orphanet 125, MedGen C0005859, MONDO:0008876, OMIM 210900.
BLM-related disorder. Also called: BLM-related condition.

Allele frequency attached by ClinVar (database versions not stated): TOPMed 0.00001; gnomAD 0.00002 and 0.00001; gnomAD exomes below 0.00001.
gnomAD v4.1: 9 of 1,614,086 alleles (0.00056%); highest among the groups gnomAD compares: Non-Finnish European, 0.00068%; no homozygotes.

Submissions (4):

PreventionGenetics, part of Exact Sciences
Classification: Likely benign for BLM-related condition. Last evaluated: 2026-05-26. Review status: criteria provided, single submitter. Criteria: ACMG Guidelines, 2015. Collection method: clinical testing. Allele origin: germline.
Comment: This variant is classified as likely benign based on ACMG/AMP sequence variant interpretation guidelines (Richards et al. 2015 PMID: 25741868, with internal and published modifications).

Labcorp Genetics (formerly Invitae), Labcorp
Classification: Likely benign for Bloom syndrome. Last evaluated: 2025-05-01. Review status: criteria provided, single submitter. Criteria: Invitae Variant Classification Sherloc (09022015). Collection method: clinical testing. Allele origin: germline.

Ambry Genetics
Classification: Likely benign for Hereditary cancer-predisposing syndrome. Last evaluated: 2021-08-10. Review status: criteria provided, single submitter. Criteria: Ambry Variant Classification Scheme 2023. Collection method: clinical testing. Allele origin: germline.

Natera, Inc.
Classification: Likely benign for Bloom syndrome. Last evaluated: 2020-09-16. Review status: no assertion criteria provided. Collection method: clinical testing. Allele origin: germline. Not counted in ClinVar's aggregate classification.

NM_000057.4(BLM):c.4128C>T (p.Ile1376=)

Gene: BLM (BLM RecQ like helicase; plus strand). Cytogenetic location: 15q26.1.
Variant type: single nucleotide variant.
Coding change: c.4128C>T on transcript NM_000057.4 (MANE Select); coding-DNA position 4128, C replaced by T.
Protein change: p.Ile1376=; no amino-acid change (isoleucine 1376 retained).
Molecular consequence: synonymous variant.
Genome position (GRCh38, 1-based): chr15:90,815,153, C>T. VCF-style: chr15-90815153-C-T. GRCh37 (hg19) VCF-style: chr15-91358383-C-T.
Other names: c.4128C>T, p.Ile1376= (NM_001287246.2); c.3735C>T, p.Ile1245= (NM_001287247.2); c.3003C>T, p.Ile1001= (NM_001287248.2); c.4128C>T (NM_000057.2).
Identifiers: ClinVar variation 704234 (VCV000704234.15), dbSNP rs1314592673, ClinGen allele CA492158289.